The following is an entry in ClinVar:

ClinVar aggregate classification (germline): Pathogenic. Review status: no assertion criteria provided (0 of 4 stars). 2 submissions from 2 submitters: Pathogenic (1). 1 of the submissions does not count toward it. Last evaluated 2001-09-01.

Conditions:
Blau syndrome (BLAUS). Also called: GRANULOMATOSIS, FAMILIAL JUVENILE SYSTEMIC; GRANULOMATOSIS, FAMILIAL, BLAU TYPE; GRANULOMATOUS INFLAMMATORY ARTHRITIS, DERMATITIS, AND UVEITIS, FAMILIAL; JABS SYNDROME; ARTHROCUTANEOUVEAL GRANULOMATOSIS. Identifiers: Orphanet 90340, MedGen C5201146, MONDO:0008523, OMIM 186580.

Submissions (2):

OMIM
Classification: Pathogenic for BLAU SYNDROME. Last evaluated: 2001-09-01. Review status: no assertion criteria provided. Collection method: literature only. Allele origin: germline.

Unité médicale des maladies autoinflammatoires, CHRU Montpellier
No classification provided. Condition: Sarcoidosis, early-onset. Review status: no classification provided. Collection method: not provided. Allele origin: unknown. Not counted in ClinVar's aggregate classification.
Comment: also involved in OMIM 186580 and 266600

Literature cited by the submitters: PubMed 11528384 (cited by OMIM).

NM_001370466.1(NOD2):c.1324C>T (p.Leu442Phe)

Gene: NOD2 (nucleotide binding oligomerization domain containing 2; plus strand). Cytogenetic location: 16q12.1.
Variant type: single nucleotide variant.
Coding change: c.1324C>T on transcript NM_001370466.1 (MANE Select); coding-DNA position 1324, C replaced by T.
Protein change: p.Leu442Phe; replaces leucine 442 with phenylalanine.
Molecular consequence: missense variant. On other transcripts: non-coding transcript variant (1).
Genome position (GRCh38, 1-based): chr16:50,711,316, C>T. VCF-style: chr16-50711316-C-T. GRCh37 (hg19) VCF-style: chr16-50745227-C-T.
Other names: c.1405C>T, p.Leu469Phe (LRG_177t1, NM_022162.3); c.1324C>T, p.Leu442Phe (NM_001293557.2); short protein forms L469F, L442F.
Identifiers: ClinVar variation 4695 (VCV000004695.2), dbSNP rs104895460, ClinGen allele CA117020.